The following is an entry in ClinVar:

ClinVar aggregate classification (germline): Uncertain significance (1 of 4 stars; one submission).

Conditions:
Purine-nucleoside phosphorylase deficiency. Also called: NUCLEOSIDE PHOSPHORYLASE DEFICIENCY; Immunodeficiency due to purine nucleoside phosphorylase deficiency. Identifiers: Orphanet 760, MedGen C0268125, MONDO:0013171, OMIM 613179.

Allele frequency attached by ClinVar (database versions not stated): gnomAD exomes below 0.00001.
gnomAD v4.1: 1 of 1,614,220 alleles (0.000062%); highest among the groups gnomAD compares: South Asian, 0.0011%; no homozygotes.

Submission:

Labcorp Genetics (formerly Invitae), Labcorp
Classification: Uncertain significance for Purine-nucleoside phosphorylase deficiency. Last evaluated: 2018-05-06. Review status: criteria provided, single submitter. Criteria: Invitae Variant Classification Sherloc (09022015). Collection method: clinical testing. Allele origin: germline.
Comment: In summary, the available evidence is currently insufficient to determine the role of this variant in disease. Therefore, it has been classified as a Variant of Uncertain Significance. Algorithms developed to predict the effect of missense changes on protein structure and function do not agree on the potential impact of this missense change (SIFT: "Deleterious"; PolyPhen-2: "Probably Damaging"; Align-GVGD: "Class C0"). This variant has not been reported in the literature in individuals with PNP-related disease. This variant is not present in population databases (ExAC no frequency). This sequence change replaces histidine with arginine at codon 135 of the PNP protein (p.His135Arg). The histidine residue is highly conserved and there is a small physicochemical difference between histidine and arginine.

NM_000270.4(PNP):c.404A>G (p.His135Arg)

Gene: PNP (purine nucleoside phosphorylase; plus strand). Cytogenetic location: 14q11.2.
Variant type: single nucleotide variant.
Coding change: c.404A>G on transcript NM_000270.4 (MANE Select); coding-DNA position 404, A replaced by G.
Protein change: p.His135Arg; replaces histidine 135 with arginine.
Molecular consequence: missense variant.
Genome position (GRCh38, 1-based): chr14:20,474,891, A>G. VCF-style: chr14-20474891-A-G. GRCh37 (hg19) VCF-style: chr14-20943050-A-G.
Other names: short protein forms H135R.
Identifiers: ClinVar variation 581170 (VCV000581170.8), dbSNP rs1566525632, ClinGen allele CA389145320.